The following is an entry in ClinVar:

NM_001371986.1(UNC80):c.544A>G (p.Met182Val)

Gene: UNC80 (unc-80 subunit of NALCN channel complex; plus strand). Cytogenetic location: 2q34.
Variant type: single nucleotide variant.
Coding change: c.544A>G on transcript NM_001371986.1 (MANE Select); coding-DNA position 544, A replaced by G.
Protein change: p.Met182Val; replaces methionine 182 with valine.
Molecular consequence: missense variant.
Genome position (GRCh38, 1-based): chr2:209,777,503, A>G. VCF-style: chr2-209777503-A-G. GRCh37 (hg19) VCF-style: chr2-210642227-A-G.
Other names: c.544A>G, p.Met182Val (NM_032504.2, NM_182587.4); short protein forms M182V.
Identifiers: ClinVar variation 2127352 (VCV002127352.4), dbSNP rs1445717933, ClinGen allele CA350131438.

ClinVar aggregate classification (germline): Uncertain significance (1 of 4 stars; one submission).

Allele frequency attached by ClinVar (database versions not stated): TOPMed 0.00001.

Submission:

Labcorp Genetics (formerly Invitae), Labcorp
Classification: Uncertain significance. Last evaluated: 2022-04-17. Review status: criteria provided, single submitter. Criteria: Invitae Variant Classification Sherloc (09022015). Collection method: clinical testing. Allele origin: germline.
Comment: In summary, the available evidence is currently insufficient to determine the role of this variant in disease. Therefore, it has been classified as a Variant of Uncertain Significance. Algorithms developed to predict the effect of missense changes on protein structure and function are either unavailable or do not agree on the potential impact of this missense change (SIFT: "Not Available"; PolyPhen-2: "Possibly Damaging"; Align-GVGD: "Not Available"). This variant has not been reported in the literature in individuals affected with UNC80-related conditions. This variant is not present in population databases (gnomAD no frequency). This sequence change replaces methionine, which is neutral and non-polar, with valine, which is neutral and non-polar, at codon 182 of the UNC80 protein (p.Met182Val).